The following is an entry in ClinVar:

NM_000194.2(HPRT1):c.419G>A (p.Gly140Asp)

Gene: HPRT1 (hypoxanthine phosphoribosyltransferase 1; plus strand). Cytogenetic location: Xq26.2.
Variant type: single nucleotide variant.
Coding change: c.419G>A on transcript NM_000194.2; coding-DNA position 419, G replaced by A.
Protein change: p.Gly140Asp; replaces glycine 140 with aspartic acid.
Molecular consequence: missense variant (on NM_000194.3).
Genome position (GRCh38, 1-based): chrX:134,493,524, G>A. VCF-style: chrX-134493524-G-A. GRCh37 (hg19) VCF-style: chrX-133627554-G-A.
Other names: c.419G>A, p.Gly140Asp (NM_000194.3); short protein forms G140D.
Identifiers: ClinVar variation 10080 (VCV000010080.7), dbSNP rs137852503, ClinGen allele CA120911.

ClinVar aggregate classification (germline): Uncertain significance. Review status: criteria provided, single submitter (1 of 4 stars). 3 submissions from 2 submitters: Uncertain significance (1). 2 of the submissions do not count toward it. Last evaluated 2021-09-02.

Conditions:
Lesch-Nyhan syndrome (LNS). Also called: HPRT DEFICIENCY, COMPLETE; Lesch-Nyhan Disease (LND). Identifiers: Orphanet 510, MedGen C0023374, MONDO:0010298, OMIM 300322.
Partial hypoxanthine-guanine phosphoribosyltransferase deficiency. Also called: HPRT DEFICIENCY, PARTIAL; HYPOXANTHINE GUANINE PHOSPHORIBOSYLTRANSFERASE 1 DEFICIENCY, PARTIAL; HPRT1 DEFICIENCY, PARTIAL; Kelley-Seegmiller Syndrome; GOUT, HPRT-RELATED. Identifiers: Orphanet 79233, MedGen C0268117, MONDO:0010299, OMIM 300323.
HPRT TOKYO.

Submissions (3):

Labcorp Genetics (formerly Invitae), Labcorp
Classification: Uncertain significance for Lesch-Nyhan syndrome; Partial hypoxanthine-guanine phosphoribosyltransferase deficiency. Last evaluated: 2021-09-02. Review status: criteria provided, single submitter. Criteria: Invitae Variant Classification Sherloc (09022015). Collection method: clinical testing. Allele origin: germline.
Comment: Experimental studies have shown that this missense change affects HPRT1 function (PMID: 22157001). This sequence change replaces glycine with aspartic acid at codon 140 of the HPRT1 protein (p.Gly140Asp). The glycine residue is highly conserved and there is a moderate physicochemical difference between glycine and aspartic acid. This variant is not present in population databases (ExAC no frequency). This missense change has been observed in individual(s) with Lesch-Nyhan syndrome (PMID: 1781350, 15571220). ClinVar contains an entry for this variant (Variation ID: 10080). Algorithms developed to predict the effect of missense changes on protein structure and function (SIFT, PolyPhen-2, Align-GVGD) all suggest that this variant is likely to be disruptive. This variant disrupts the p.Gly140 amino acid residue in HPRT1. Other variant(s) that disrupt this residue have been observed in individuals with HPRT1-related conditions (PMID: 15505382), which suggests that this may be a clinically significant amino acid residue. In summary, the available evidence is currently insufficient to determine the role of this variant in disease. Therefore, it has been classified as a Variant of Uncertain Significance.

OMIM
Classification: Pathogenic for LESCH-NYHAN SYNDROME. Last evaluated: 2013-10-24. Review status: no assertion criteria provided. Collection method: literature only. Allele origin: germline. Not counted in ClinVar's aggregate classification.

OMIM
Classification: other for HPRT TOKYO. Last evaluated: 2011-05-12. Review status: no assertion criteria provided. Collection method: literature only. Allele origin: germline. Not counted in ClinVar's aggregate classification.

Literature cited by the submitters: PubMed 22157001 (cited by Labcorp Genetics (formerly Invitae), Labcorp); PubMed 1781350 (cited by Labcorp Genetics (formerly Invitae), Labcorp); PubMed 15571220 (cited by Labcorp Genetics (formerly Invitae), Labcorp); PubMed 15505382 (cited by Labcorp Genetics (formerly Invitae), Labcorp).